The following is an entry in ClinVar:

ClinVar aggregate classification (germline): Benign/Likely benign. Review status: criteria provided, multiple submitters, no conflicts (2 of 4 stars). 4 submissions from 4 submitters: Benign (2); Likely benign (2). Last evaluated 2026-02-03.

Conditions:
Intellectual developmental disorder, X-linked, syndromic, Billuart type. Also called: X-linked intellectual disability-cerebellar hypoplasia syndrome; MENTAL RETARDATION, X-LINKED 60. Identifiers: Orphanet 137831, MedGen C1845366, MONDO:0010337, OMIM 300486.

Allele frequency attached by ClinVar (database versions not stated): gnomAD exomes 0.00100 and 0.00176; ESP Exome Variant Server 0.00142; 1000 Genomes Project 30x 0.00021; TOPMed 0.00099; 1000 Genomes Project 0.00026; ExAC 0.00119; gnomAD 0.00121 and 0.00116.
gnomAD v4.1: 2,029 of 1,207,550 alleles (0.17%); highest among the groups gnomAD compares: Non-Finnish European, 0.21%; 2 homozygotes.

Submissions (4):

Labcorp Genetics (formerly Invitae), Labcorp
Classification: Benign. Last evaluated: 2026-02-03. Review status: criteria provided, single submitter. Criteria: Invitae Variant Classification Sherloc (09022015). Collection method: clinical testing. Allele origin: germline.

Blueprint Genetics
Classification: Likely benign. Last evaluated: 2024-11-18. Review status: criteria provided, single submitter. Criteria: ACMG Guidelines, 2015. Collection method: clinical testing. Allele origin: germline.

ARUP Laboratories, Molecular Genetics and Genomics, ARUP Laboratories
Classification: Benign for Intellectual developmental disorder, X-linked, syndromic, Billuart type. Last evaluated: 2024-08-19. Review status: criteria provided, single submitter. Criteria: ARUP Molecular Germline Variant Investigation Process 2024. Collection method: clinical testing. Allele origin: germline.

GeneDx
Classification: Likely benign. Last evaluated: 2017-10-13. Review status: criteria provided, single submitter. Criteria: GeneDx Variant Classification (06012015). Collection method: clinical testing. Allele origin: germline. Affected: yes.
Comment: This variant is considered likely benign or benign based on one or more of the following criteria: it is a conservative change, it occurs at a poorly conserved position in the protein, it is predicted to be benign by multiple in silico algorithms, and/or has population frequency not consistent with disease.

NM_002547.3(OPHN1):c.832+16G>A

Gene: OPHN1 (oligophrenin 1; minus strand). Cytogenetic location: Xq12.
Variant type: single nucleotide variant.
Coding change: c.832+16G>A on transcript NM_002547.3 (MANE Select); 16 bases into the intron after coding-DNA position 832, G replaced by A.
Molecular consequence: intron variant.
Genome position (GRCh38, 1-based): chrX:68,210,137, C>T on the plus strand (G>A on the coding strand, the complement: OPHN1 is on the minus strand). VCF-style: chrX-68210137-C-T. GRCh37 (hg19) VCF-style: chrX-67429979-C-T.
Identifiers: ClinVar variation 378313 (VCV000378313.11), dbSNP rs199794620, ClinGen allele CA10437060.
Genomic context (GRCh38, chrX:68,210,137, plus strand): 5'-CAAAATTCACAGCCGACAAGTGGCAGTAGTTCCTGGCTTATTGAAACCCAATGGATACCC[C>T]TATGTCCCCACACACATTTCTCTTGTGTATAGAGATAGCCTTCAATAGTTGGCTGTCCTG-3'